The following is an entry in ClinVar:

NM_004172.5(SLC1A3):c.1342C>T (p.Leu448=)

Genes: SLC1A3 (solute carrier family 1 member 3; plus strand), SLC1A3-AS1 (SLC1A3 antisense RNA 1; minus strand). Cytogenetic location: 5p13.2.
Variant type: single nucleotide variant.
Coding change: c.1342C>T on transcript NM_004172.5 (MANE Select); coding-DNA position 1342, C replaced by T.
Protein change: p.Leu448=; no amino-acid change (leucine 448 retained).
Molecular consequence: synonymous variant. On other transcripts: intron variant (1).
Genome position (GRCh38, 1-based): chr5:36,683,916, C>T. VCF-style: chr5-36683916-C-T. GRCh37 (hg19) VCF-style: chr5-36684018-C-T.
Other names: c.1204C>T, p.Leu402= (NM_001289939.2); c.1006C>T, p.Leu336= (NM_001289940.2); c.1290-2149C>T (NM_001166695.3).
Identifiers: ClinVar variation 353325 (VCV000353325.14), dbSNP rs201618221, ClinGen allele CA3235657.

ClinVar aggregate classification (germline): Benign/Likely benign. Review status: criteria provided, multiple submitters, no conflicts (2 of 4 stars). 3 submissions from 3 submitters: Benign (2); Likely benign (1). Last evaluated 2025-09-02.

Conditions:
Episodic ataxia type 6. Identifiers: Orphanet 209967, MedGen C2675211, MONDO:0012982, OMIM 612656.

Allele frequency attached by ClinVar (database versions not stated): gnomAD exomes 0.00008 and 0.00029; gnomAD 0.00009 and 0.00016; TOPMed 0.00013; ExAC 0.00033; 1000 Genomes Project 30x 0.00156; 1000 Genomes Project 0.00180.
gnomAD v4.1: 155 of 1,614,198 alleles (0.0096%); highest among the groups gnomAD compares: East Asian, 0.18%; 1 homozygote.

Submissions (3):

Labcorp Genetics (formerly Invitae), Labcorp
Classification: Benign. Last evaluated: 2025-09-02. Review status: criteria provided, single submitter. Criteria: Invitae Variant Classification Sherloc (09022015). Collection method: clinical testing. Allele origin: germline.

Blueprint Genetics
Classification: Likely benign. Last evaluated: 2024-04-10. Review status: criteria provided, single submitter. Criteria: ACMG Guidelines, 2015. Collection method: clinical testing. Allele origin: germline.

Illumina Laboratory Services, Illumina
Classification: Benign for Episodic ataxia type 6. Last evaluated: 2018-01-13. Review status: criteria provided, single submitter. Criteria: ICSL Variant Classification Criteria 13 December 2019. Collection method: clinical testing. Allele origin: germline.
Comment: This variant was observed in the ICSL laboratory as part of a predisposition screen in an ostensibly healthy population. It had not been previously curated by ICSL or reported in the Human Gene Mutation Database (HGMD: prior to June 1st, 2018), and was therefore a candidate for classification through an automated scoring system. Utilizing variant allele frequency, disease prevalence and penetrance estimates, and inheritance mode, an automated score was calculated to assess if this variant is too frequent to cause the disease. Based on the score and internal cut-off values, a variant classified as benign is not then subjected to further curation. The score for this variant resulted in a classification of benign for this disease.